The following is an entry in ClinVar:

NC_000009.11:g.(?_6587121)_(6610376_?)del

Gene: GLDC (glycine decarboxylase; minus strand). Cytogenetic location: 9p24.1.
Variant type: Deletion.
Identifiers: ClinVar variation 3245155 (VCV003245155.1).

ClinVar aggregate classification (germline): Pathogenic (1 of 4 stars; one submission).

Conditions:
Glycine encephalopathy. Also called: Nonketotic hyperglycinemia; Non-ketotic hyperglycinemia. Identifiers: Orphanet 407, MedGen C0751748, MONDO:0011612, HP:0008288.

Submission:

Labcorp Genetics (formerly Invitae), Labcorp
Classification: Pathogenic for Glycine encephalopathy. Last evaluated: 2023-07-10. Review status: criteria provided, single submitter. Criteria: Invitae Variant Classification Sherloc (09022015). Collection method: clinical testing. Allele origin: unknown.
Comment: The region of the GLDC gene that includes exon(s) 5 has been determined to be clinically significant (PMID: 27362913). Therefore, deletions that encompass that region are likely to be disease-causing. For these reasons, this variant has been classified as Pathogenic. A similar copy number variant has been observed in individual(s) with GLDC-related conditions (PMID: 26179960). In at least one individual the data is consistent with being in trans (on the opposite chromosome) from a pathogenic variant. It has also been observed to segregate with disease in related individuals. This variant is a gross deletion of the genomic region encompassing exon(s) 4-15 of the GLDC gene. This variant would be expected to be in-frame, preserving the integrity of the reading frame.

Literature cited by the submitters: PubMed 27362913; PubMed 26179960.